The following is an entry in ClinVar:

ClinVar aggregate classification (germline): Uncertain significance. Review status: criteria provided, multiple submitters, no conflicts (2 of 4 stars). 4 submissions from 4 submitters: Uncertain significance (4). Last evaluated 2025-12-17.

Conditions:
Hereditary cancer-predisposing syndrome. Also called: Neoplastic Syndromes, Hereditary; Hereditary neoplastic syndrome; Tumor predisposition; Hereditary Cancer Syndrome. Identifiers: Orphanet 140162, MedGen C0027672, MeSH D009386, MONDO:0015356.

Allele frequency attached by ClinVar (database versions not stated): gnomAD exomes 0.00001 and 0.00002; TOPMed 0.00003; gnomAD 0.00004 and 0.00003; ExAC 0.00001.
gnomAD v4.1: 34 of 1,613,954 alleles (0.0021%); highest among the groups gnomAD compares: Middle Eastern, 0.016%; no homozygotes.

Submissions (4):

Ambry Genetics
Classification: Uncertain significance for Hereditary cancer-predisposing syndrome. Last evaluated: 2025-12-17. Review status: criteria provided, single submitter. Criteria: Ambry Variant Classification Scheme 2023. Collection method: clinical testing. Allele origin: germline.
Comment: The p.R159C variant (also known as c.475C>T), located in coding exon 3 of the XRCC2 gene, results from a C to T substitution at nucleotide position 475. The arginine at codon 159 is replaced by cysteine, an amino acid with highly dissimilar properties. In one study, this alteration was reported in 0/13087 breast cancer cases and 1/5488 control individuals in the UK (Decker B et al. J Med Genet, 2017 11;54:732-741). This amino acid position is highly conserved in available vertebrate species. In addition, the in silico prediction for this alteration is inconclusive. Since supporting evidence is limited at this time, the clinical significance of this alteration remains unclear.

Labcorp Genetics (formerly Invitae), Labcorp
Classification: Uncertain significance. Last evaluated: 2025-08-02. Review status: criteria provided, single submitter. Criteria: Invitae Variant Classification Sherloc (09022015). Collection method: clinical testing. Allele origin: germline.
Comment: This sequence change replaces arginine, which is basic and polar, with cysteine, which is neutral and slightly polar, at codon 159 of the XRCC2 protein (p.Arg159Cys). This variant is present in population databases (rs587780128, gnomAD 0.008%). This variant has not been reported in the literature in individuals affected with XRCC2-related conditions. ClinVar contains an entry for this variant (Variation ID: 127956). Invitae Evidence Modeling of protein sequence and biophysical properties (such as structural, functional, and spatial information, amino acid conservation, physicochemical variation, residue mobility, and thermodynamic stability) indicates that this missense variant is expected to disrupt XRCC2 protein function with a positive predictive value of 80%. In summary, the available evidence is currently insufficient to determine the role of this variant in disease. Therefore, it has been classified as a Variant of Uncertain Significance.

Quest Diagnostics Nichols Institute San Juan Capistrano
Classification: Uncertain significance. Last evaluated: 2025-04-11. Review status: criteria provided, single submitter. Criteria: Quest Diagnostics criteria. Collection method: clinical testing. Allele origin: unknown.
Comment: The XRCC2 c.475C>T (p.Arg159Cys) variant has been reported in the published literature in individuals with breast cancer (PMID: 33471991 (2021), see also LOVD). This variant has also been identified in reportedly unaffected individuals (PMID: 28779002 (2017), 33471991 (2021), see also LOVD). The frequency of this variant in the general population (Genome Aggregation Database) is uninformative in the assessment of its pathogenicity. Analysis of this variant using bioinformatics tools for the prediction of the effect of amino acid changes on protein structure and function yielded conflicting predictions that this variant is benign or damaging. Based on the available information, we are unable to determine the clinical significance of this variant.

GeneDx
Classification: Uncertain significance. Last evaluated: 2017-09-20. Review status: criteria provided, single submitter. Criteria: GeneDx Variant Classification (06012015). Collection method: clinical testing. Allele origin: germline. Affected: yes.
Comment: This variant is denoted XRCC2 c.475C>T at the cDNA level, p.Arg159Cys (R159C) at the protein level, and results in the change of an Arginine to a Cysteine (CGC>TGC). This variant has not, to our knowledge, been published in the literature as pathogenic or benign. XRCC2 Arg159Cys was not observed at a significant allele frequency in large population cohorts (NHLBI Exome Sequencing Project, The 1000 Genomes Consortium 2015, Lek 2016). Since Arginine and Cysteine differ in polarity, charge, size or other properties, this is considered a non-conservative amino acid substitution. XRCC2 Arg159Cys occurs at a position that is conserved across species and is not located within a known functional domain. In silico analyses predict that this variant is probably damaging to protein structure and function. Based on currently available information, it is unclear whether XRCC2 Arg159Cys is a pathogenic or benign variant. We consider it to be a variant of uncertain significance.

Literature cited by the submitters: PubMed 28779002 (cited by Ambry Genetics and Quest Diagnostics Nichols Institute San Juan Capistrano); PubMed 33471991 (cited by Quest Diagnostics Nichols Institute San Juan Capistrano).

NM_005431.2(XRCC2):c.475C>T (p.Arg159Cys)

Gene: XRCC2 (X-ray repair cross complementing 2; minus strand). Cytogenetic location: 7q36.1.
Variant type: single nucleotide variant.
Coding change: c.475C>T on transcript NM_005431.2 (MANE Select); coding-DNA position 475, C replaced by T.
Protein change: p.Arg159Cys; replaces arginine 159 with cysteine.
Molecular consequence: missense variant.
Genome position (GRCh38, 1-based): chr7:152,649,010, G>A on the plus strand (C>T on the coding strand, the complement: XRCC2 is on the minus strand). VCF-style: chr7-152649010-G-A. GRCh37 (hg19) VCF-style: chr7-152346095-G-A.
Other names: p.R159C:CGC>TGC; short protein forms R159C.
Identifiers: ClinVar variation 127956 (VCV000127956.18), dbSNP rs587780128, ClinGen allele CA288134.